The following is an entry in ClinVar:

NC_000005.10:g.112850831A>G

Variant type: single nucleotide variant.
Genome position: GRCh38 VCF-style: chr5-112850831-A-G. GRCh37 (hg19) VCF-style: chr5-112186528-A-G.
Identifiers: ClinVar variation 82666 (VCV000082666.3), dbSNP rs78988154, ClinGen allele CA250806.

ClinVar aggregate classification (germline): other (0 of 4 stars; one submission).

Conditions:
Familial colorectal cancer. Identifiers: MedGen CN280943, MONDO:0023113. Disease mechanism: loss of function.

Submission:

Systems Biology Platform Zhejiang California International NanoSystems Institute
Classification: other for Familial colorectal cancer. Review status: no assertion criteria provided. Collection method: not provided. Allele origin: unknown.
ClinVar note: Converted during submission from cancer to other.